The following is an entry in ClinVar:

ClinVar aggregate classification (germline): Uncertain significance (1 of 4 stars; one submission).

Conditions:
Wilson disease (WND). Also called: Wilson's disease. Identifiers: Orphanet 905, MedGen C0019202, MONDO:0010200, OMIM 277900. Disease mechanism: loss of function.

Submission:

All of Us Research Program, National Institutes of Health
Classification: Uncertain significance for Wilson disease. Last evaluated: 2024-05-14. Review status: criteria provided, single submitter. Criteria: ACMG Guidelines, 2015. Collection method: clinical testing. Allele origin: germline. Inheritance: Autosomal recessive inheritance. Observed: 1 variant allele, 1 heterozygote.
Comment: This missense variant replaces proline with alanine at codon 453 of the ATP7B protein. Computational prediction suggests that this variant may not impact protein structure and function (internally defined REVEL score threshold <= 0.5, PMID: 27666373). To our knowledge, functional studies have not been reported for this variant. This variant has not been reported in individuals affected with ATP7B-related disorders in the literature. This variant has not been identified in the general population by the Genome Aggregation Database (gnomAD). The available evidence is insufficient to determine the role of this variant in disease conclusively. Therefore, this variant is classified as a Variant of Uncertain Significance.

This study involves interpretation of variants in research participants for the purpose of population health screening. Participant phenotype was not available at the time of variant classification. Additional details can be found in publication PMID: 35346344, PMCID: PMC8962531

NM_000053.4(ATP7B):c.1357C>G (p.Pro453Ala)

Gene: ATP7B (ATPase copper transporting beta; minus strand). Cytogenetic location: 13q14.3.
Variant type: single nucleotide variant.
Coding change: c.1357C>G on transcript NM_000053.4 (MANE Select); coding-DNA position 1357, C replaced by G.
Protein change: p.Pro453Ala; replaces proline 453 with alanine.
Molecular consequence: missense variant. On other transcripts: intron variant (1).
Genome position (GRCh38, 1-based): chr13:51,970,678, G>C on the plus strand (C>G on the coding strand, the complement: ATP7B is on the minus strand). VCF-style: chr13-51970678-G-C. GRCh37 (hg19) VCF-style: chr13-52544814-G-C.
Other names: c.1357C>G, p.Pro453Ala (NM_001406532.1, NM_001406534.1, NM_001406535.1 and 28 more transcripts); c.1261C>G, p.Pro421Ala (NM_001406530.1, NM_001406536.1, NM_001406543.1 and 3 more transcripts); c.928C>G, p.Pro310Ala (NM_001406539.1); c.1285+3257C>G (NM_001406548.1); c.1024C>G, p.Pro342Ala (NM_001243182.2); short protein forms P310A, P342A, P421A, P453A.
Identifiers: ClinVar variation 3385661 (VCV003385661.1).